The following is an entry in ClinVar:

NM_000245.4(MET):c.3303T>A (p.Asp1101Glu)

Gene: MET (MET proto-oncogene, receptor tyrosine kinase; plus strand). Cytogenetic location: 7q31.2.
Variant type: single nucleotide variant.
Coding change: c.3303T>A on transcript NM_000245.4 (MANE Select); coding-DNA position 3303, T replaced by A.
Protein change: p.Asp1101Glu; replaces aspartic acid 1101 with glutamic acid.
Molecular consequence: missense variant.
Genome position (GRCh38, 1-based): chr7:116,777,432, T>A. VCF-style: chr7-116777432-T-A. GRCh37 (hg19) VCF-style: chr7-116417486-T-A.
Other names: c.3357T>A, p.Asp1119Glu (NM_001127500.3); c.2013T>A, p.Asp671Glu (NM_001324402.2); short protein forms D671E, D1101E, D1119E.
Identifiers: ClinVar variation 3674891 (VCV003674891.2).

ClinVar aggregate classification (germline): Uncertain significance (1 of 4 stars; one submission).

Conditions:
Renal cell carcinoma. Identifiers: Orphanet 217071, MedGen C0007134, MeSH D002292, MONDO:0005086, HP:0005584.

gnomAD v4.1: 1 of 1,613,890 alleles (0.000062%); highest among the groups gnomAD compares: Admixed American, 0.0017%; no homozygotes.

Submission:

Labcorp Genetics (formerly Invitae), Labcorp
Classification: Uncertain significance for Renal cell carcinoma. Last evaluated: 2024-07-23. Review status: criteria provided, single submitter. Criteria: Invitae Variant Classification Sherloc (09022015). Collection method: clinical testing. Allele origin: germline.
Comment: This sequence change replaces aspartic acid, which is acidic and polar, with glutamic acid, which is acidic and polar, at codon 1119 of the MET protein (p.Asp1119Glu). This variant is present in population databases (no rsID available, gnomAD 0.003%). This variant has not been reported in the literature in individuals affected with MET-related conditions. Advanced modeling of protein sequence and biophysical properties (such as structural, functional, and spatial information, amino acid conservation, physicochemical variation, residue mobility, and thermodynamic stability) performed at Invitae indicates that this missense variant is not expected to disrupt MET protein function with a negative predictive value of 80%. In summary, the available evidence is currently insufficient to determine the role of this variant in disease. Therefore, it has been classified as a Variant of Uncertain Significance.